The following is an entry in ClinVar:

NM_024753.5(TTC21B):c.2683G>C (p.Val895Leu)

Gene: TTC21B (tetratricopeptide repeat domain 21B; minus strand). Cytogenetic location: 2q24.3.
Variant type: single nucleotide variant.
Coding change: c.2683G>C on transcript NM_024753.5 (MANE Select); coding-DNA position 2683, G replaced by C.
Protein change: p.Val895Leu; replaces valine 895 with leucine.
Molecular consequence: missense variant.
Genome position (GRCh38, 1-based): chr2:165,901,796, C>G on the plus strand (G>C on the coding strand, the complement: TTC21B is on the minus strand). VCF-style: chr2-165901796-C-G. GRCh37 (hg19) VCF-style: chr2-166758306-C-G.
Other names: short protein forms V895L.
Identifiers: ClinVar variation 2096810 (VCV002096810.4), dbSNP rs1685570411, ClinGen allele CA349052503.

ClinVar aggregate classification (germline): Uncertain significance (1 of 4 stars; one submission).

Conditions:
Jeune thoracic dystrophy. Also called: Jeune syndrome; Infantile thoracic dystrophy; Thoracic pelvic phalangeal dystrophy; Jeune's syndrome; Chondroectodermal dysplasia-like syndrome; Short-rib thoracic dysplasia. Identifiers: Orphanet 474, MedGen C0265275, MONDO:0018770.
Nephronophthisis. Also called: Juvenile Nephronophthisis. Identifiers: Orphanet 655, MedGen C0687120, MONDO:0019005, HP:0000090.

Allele frequency attached by ClinVar (database versions not stated): TOPMed below 0.00001.

Submission:

Labcorp Genetics (formerly Invitae), Labcorp
Classification: Uncertain significance for Jeune thoracic dystrophy; Nephronophthisis. Last evaluated: 2022-10-04. Review status: criteria provided, single submitter. Criteria: Invitae Variant Classification Sherloc (09022015). Collection method: clinical testing. Allele origin: germline.
Comment: In summary, the available evidence is currently insufficient to determine the role of this variant in disease. Therefore, it has been classified as a Variant of Uncertain Significance. Advanced modeling of protein sequence and biophysical properties (such as structural, functional, and spatial information, amino acid conservation, physicochemical variation, residue mobility, and thermodynamic stability) performed at Invitae indicates that this missense variant is not expected to disrupt TTC21B protein function. This variant has not been reported in the literature in individuals affected with TTC21B-related conditions. This variant is not present in population databases (gnomAD no frequency). This sequence change replaces valine, which is neutral and non-polar, with leucine, which is neutral and non-polar, at codon 895 of the TTC21B protein (p.Val895Leu).